The following is an entry in ClinVar:

ClinVar aggregate classification (germline): Benign. Review status: criteria provided, multiple submitters, no conflicts (2 of 4 stars). 4 submissions from 4 submitters: Benign (3). 1 of the submissions does not count toward it. Last evaluated 2026-01-28.

Conditions:
RINT1-related disorder. Also called: RINT1-related condition.

Allele frequency attached by ClinVar (database versions not stated): 1000 Genomes Project 30x 0.01062; 1000 Genomes Project 0.01118; TOPMed 0.02060; ESP Exome Variant Server 0.02522; gnomAD 0.02620 and 0.02749; gnomAD exomes 0.02643 and 0.03287; ExAC 0.02737.
gnomAD v4.1: 51,846 of 1,613,462 alleles (3.2%); highest among the groups gnomAD compares: Non-Finnish European, 3.7%; 1,149 homozygotes.

Submissions (4):

Labcorp Genetics (formerly Invitae), Labcorp
Classification: Benign. Last evaluated: 2026-01-28. Review status: criteria provided, single submitter. Criteria: Invitae Variant Classification Sherloc (09022015). Collection method: clinical testing. Allele origin: germline.

Ambry Genetics
Classification: Benign. Last evaluated: 2020-07-30. Review status: criteria provided, single submitter. Criteria: Ambry Variant Classification Scheme 2023. Collection method: clinical testing. Allele origin: germline.

Breakthrough Genomics
Classification: Benign. Review status: criteria provided, single submitter. Criteria: ACMG Guidelines, 2015. Collection method: not provided. Allele origin: germline. Inheritance: Autosomal recessive inheritance. Affected: yes.

PreventionGenetics, part of Exact Sciences
Classification: Benign for RINT1-related condition. Last evaluated: 2019-10-28. Review status: no assertion criteria provided. Collection method: clinical testing. Allele origin: germline. Not counted in ClinVar's aggregate classification.
Comment: This variant is classified as benign based on ACMG/AMP sequence variant interpretation guidelines (Richards et al. 2015 PMID: 25741868, with internal and published modifications).

NM_021930.6(RINT1):c.840-5G>A

Gene: RINT1 (RAD50 interactor 1; plus strand). Cytogenetic location: 7q22.3.
Variant type: single nucleotide variant.
Coding change: c.840-5G>A on transcript NM_021930.6 (MANE Select); 5 bases into the intron before coding-DNA position 840, G replaced by A.
Molecular consequence: intron variant.
Genome position (GRCh38, 1-based): chr7:105,548,549, G>A. VCF-style: chr7-105548549-G-A. GRCh37 (hg19) VCF-style: chr7-105188996-G-A.
Other names: c.-180-5G>A (NM_001346600.2); c.-83-7G>A (NM_001346601.2); c.-27-1506G>A (NM_001346603.2); c.606-5G>A (NM_001346599.2); c.840-5G>A (NM_021930.5).
Identifiers: ClinVar variation 416378 (VCV000416378.16), dbSNP rs113947297, ClinGen allele CA4426549.